The following is an entry in ClinVar:

ClinVar aggregate classification (germline): Uncertain significance (1 of 4 stars; one submission).

gnomAD v4.1: 3 of 1,613,588 alleles (0.00019%); highest among the groups gnomAD compares: Non-Finnish European, 0.00025%; no homozygotes.

Submission:

Labcorp Genetics (formerly Invitae), Labcorp
Classification: Uncertain significance. Last evaluated: 2024-07-23. Review status: criteria provided, single submitter. Criteria: Invitae Variant Classification Sherloc (09022015). Collection method: clinical testing. Allele origin: germline.
Comment: This sequence change replaces proline, which is neutral and non-polar, with leucine, which is neutral and non-polar, at codon 393 of the COL11A1 protein (p.Pro393Leu). This variant is not present in population databases (gnomAD no frequency). This variant has not been reported in the literature in individuals affected with COL11A1-related conditions. Advanced modeling of protein sequence and biophysical properties (such as structural, functional, and spatial information, amino acid conservation, physicochemical variation, residue mobility, and thermodynamic stability) performed at Invitae indicates that this missense variant is not expected to disrupt COL11A1 protein function with a negative predictive value of 95%. In summary, the available evidence is currently insufficient to determine the role of this variant in disease. Therefore, it has been classified as a Variant of Uncertain Significance.

NM_001854.4(COL11A1):c.1178C>T (p.Pro393Leu)

Gene: COL11A1 (collagen type XI alpha 1 chain; minus strand). Cytogenetic location: 1p21.1.
Variant type: single nucleotide variant.
Coding change: c.1178C>T on transcript NM_001854.4 (MANE Select); coding-DNA position 1178, C replaced by T.
Protein change: p.Pro393Leu; replaces proline 393 with leucine.
Molecular consequence: missense variant. On other transcripts: non-coding transcript variant (1), intron variant (1).
Genome position (GRCh38, 1-based): chr1:103,022,809, G>A on the plus strand (C>T on the coding strand, the complement: COL11A1 is on the minus strand). VCF-style: chr1-103022809-G-A. GRCh37 (hg19) VCF-style: chr1-103488365-G-A.
Other names: c.1061C>T, p.Pro354Leu (NM_001190709.2); c.1214C>T, p.Pro405Leu (NM_080629.3); c.898-1040C>T (NM_080630.4); short protein forms P393L, P405L, P354L.
Identifiers: ClinVar variation 3690309 (VCV003690309.2).
Genomic context (GRCh38, chr1:103,022,809, plus strand): 5'-TCTGTAATATCAGTTTCTGCTGGTACACCTGGACCAAATTCTTCATTAGGGGGGCTTGTT[G>A]GTTTATCTTCATATTCTTTATATTCATAAAAATCATATTCGCCTAAATCTCCATCTACCA-3'
Protein context (NP_001845.3, residues 383-403): FYEYKEYEDK[Pro393Leu]TSPPNEEFGP